The following is an entry in ClinVar:

NM_001162501.2(TNRC6B):c.3332T>C (p.Met1111Thr)

Gene: TNRC6B (trinucleotide repeat containing adaptor 6B; plus strand). Cytogenetic location: 22q13.1.
Variant type: single nucleotide variant.
Coding change: c.3332T>C on transcript NM_001162501.2 (MANE Select); coding-DNA position 3332, T replaced by C.
Protein change: p.Met1111Thr; replaces methionine 1111 with threonine.
Molecular consequence: missense variant.
Genome position (GRCh38, 1-based): chr22:40,280,064, T>C. VCF-style: chr22-40280064-T-C. GRCh37 (hg19) VCF-style: chr22-40676068-T-C.
Other names: c.1091T>C, p.Met364Thr (NM_001024843.2); c.3173T>C, p.Met1058Thr (NM_015088.3); short protein forms M1058T, M1111T, M364T.
Identifiers: ClinVar variation 1342079 (VCV001342079.2), dbSNP rs2146521605, ClinGen allele CA411650311.
Genomic context (GRCh38, chr22:40,280,064, plus strand): 5'-CAGATAAAAAATTTGATGTGGACAAGCGAGCGATGAATCTCGGGGATTTTAATGATATCA[T>C]GAGGAAGGATCGATCTGGGTTCCGTCCACCTAATTCCAAAGACATGGGAACCACAGATAG-3'
Protein context (NP_001155973.1, residues 1101-1121): AMNLGDFNDI[Met1111Thr]RKDRSGFRPP

ClinVar aggregate classification (germline): Uncertain significance (1 of 4 stars; one submission).

Allele frequency attached by ClinVar (database versions not stated): gnomAD exomes below 0.00001.

Submission:

GeneDx
Classification: Uncertain significance. Last evaluated: 2022-02-18. Review status: criteria provided, single submitter. Criteria: GeneDx Variant Classification Process June 2021. Collection method: clinical testing. Allele origin: germline. Affected: yes.
Comment: Not observed in large population cohorts (gnomAD); In silico analysis supports that this missense variant has a deleterious effect on protein structure/function; Has not been previously published as pathogenic or benign to our knowledge